The following is an entry in ClinVar:

ClinVar aggregate classification (germline): Uncertain significance (1 of 4 stars; one submission).

Allele frequency attached by ClinVar (database versions not stated): gnomAD 0.00001; TOPMed 0.00001.
gnomAD v4.1: 17 of 1,573,766 alleles (0.0011%); highest among the groups gnomAD compares: Non-Finnish European, 0.0015%; no homozygotes.

Submission:

Labcorp Genetics (formerly Invitae), Labcorp
Classification: Uncertain significance. Last evaluated: 2024-12-05. Review status: criteria provided, single submitter. Criteria: Invitae Variant Classification Sherloc (09022015). Collection method: clinical testing. Allele origin: germline.
Comment: This sequence change replaces tyrosine, which is neutral and polar, with phenylalanine, which is neutral and non-polar, at codon 564 of the RIMS1 protein (p.Tyr564Phe). This variant is present in population databases (no rsID available, gnomAD 0.001%). This variant has not been reported in the literature in individuals affected with RIMS1-related conditions. ClinVar contains an entry for this variant (Variation ID: 2790099). An algorithm developed to predict the effect of missense changes on protein structure and function (PolyPhen-2) suggests that this variant is likely to be disruptive. In summary, the available evidence is currently insufficient to determine the role of this variant in disease. Therefore, it has been classified as a Variant of Uncertain Significance.

NM_014989.7(RIMS1):c.1691A>T (p.Tyr564Phe)

Gene: RIMS1 (regulating synaptic membrane exocytosis 1; plus strand). Cytogenetic location: 6q13.
Variant type: single nucleotide variant.
Coding change: c.1691A>T on transcript NM_014989.7 (MANE Select); coding-DNA position 1691, A replaced by T.
Protein change: p.Tyr564Phe; replaces tyrosine 564 with phenylalanine.
Molecular consequence: missense variant. On other transcripts: 5 prime UTR variant (9).
Genome position (GRCh38, 1-based): chr6:72,233,785, A>T. VCF-style: chr6-72233785-A-T. GRCh37 (hg19) VCF-style: chr6-72943488-A-T.
Other names: c.113A>T, p.Tyr38Phe (NM_001168407.2, NM_001168408.2, NM_001350414.2 and 37 more transcripts); c.-131A>T (NM_001168409.2, NM_001350461.2, NM_001350463.2 and 6 more transcripts); c.68A>T, p.Tyr23Phe (NM_001168410.2, NM_001350470.2, NM_001350472.2 and 2 more transcripts); c.44A>T, p.Tyr15Phe (NM_001350421.2, NM_001350424.2, NM_001350428.2 and 6 more transcripts); short protein forms Y38F, Y23F, Y15F, Y564F.
Identifiers: ClinVar variation 2790099 (VCV002790099.3), dbSNP rs1273222606, ClinGen allele CA364823344.